The following is an entry in ClinVar:

ClinVar aggregate classification (germline): Uncertain significance (1 of 4 stars; one submission).

Allele frequency attached by ClinVar (database versions not stated): TOPMed below 0.00001.

Submission:

Labcorp Genetics (formerly Invitae), Labcorp
Classification: Uncertain significance. Last evaluated: 2025-05-05. Review status: criteria provided, single submitter. Criteria: Invitae Variant Classification Sherloc (09022015). Collection method: clinical testing. Allele origin: germline.
Comment: This sequence change replaces glutamic acid, which is acidic and polar, with glycine, which is neutral and non-polar, at codon 3 of the PPARG protein (p.Glu3Gly). This variant is not present in population databases (gnomAD no frequency). This variant has not been reported in the literature in individuals affected with PPARG-related conditions. ClinVar contains an entry for this variant (Variation ID: 2130883). Invitae Evidence Modeling of protein sequence and biophysical properties (such as structural, functional, and spatial information, amino acid conservation, physicochemical variation, residue mobility, and thermodynamic stability) indicates that this missense variant is not expected to disrupt PPARG protein function with a negative predictive value of 95%. In summary, the available evidence is currently insufficient to determine the role of this variant in disease. Therefore, it has been classified as a Variant of Uncertain Significance.

NM_138711.6(PPARG):c.-8-28104A>G

Gene: PPARG (peroxisome proliferator activated receptor gamma; plus strand). Cytogenetic location: 3p25.2.
Variant type: single nucleotide variant.
Coding change: c.-8-28104A>G on transcript NM_138711.6 (MANE Select); 28104 bases into the intron before 8 bases upstream of the start codon, A replaced by G.
Molecular consequence: intron variant. On other transcripts: missense variant (3).
Genome position (GRCh38, 1-based): chr3:12,351,600, A>G. VCF-style: chr3-12351600-A-G. GRCh37 (hg19) VCF-style: chr3-12393099-A-G.
Other names: c.8A>G, p.Glu3Gly (NM_001354668.2, NM_001374265.1, NM_015869.5); c.-8-28104A>G (NM_001354666.3, NM_138712.5, NM_005037.7 and 5 more transcripts); c.-435-28104A>G (NM_001354669.2); c.-9+6706A>G (NM_001374262.3); c.-2-28104A>G (NM_001374266.1, NM_001354670.2); short protein forms E3G.
Identifiers: ClinVar variation 2130883 (VCV002130883.4), dbSNP rs2048487894, ClinGen allele CA351616997.